The following is an entry in ClinVar:

NM_000186.4(CFH):c.1214A>G (p.Lys405Arg)

Gene: CFH (complement factor H; plus strand). Cytogenetic location: 1q31.3.
Variant type: single nucleotide variant.
Coding change: c.1214A>G on transcript NM_000186.4 (MANE Select); coding-DNA position 1214, A replaced by G.
Protein change: p.Lys405Arg; replaces lysine 405 with arginine.
Molecular consequence: missense variant.
Genome position (GRCh38, 1-based): chr1:196,690,117, A>G. VCF-style: chr1-196690117-A-G. GRCh37 (hg19) VCF-style: chr1-196659247-A-G.
Other names: c.1214A>G, p.Lys405Arg (NM_001014975.3); short protein forms K405R.
Identifiers: ClinVar variation 1436656 (VCV001436656.6), dbSNP rs1289523723, ClinGen allele CA343980623.

ClinVar aggregate classification (germline): Uncertain significance (1 of 4 stars; one submission).

Allele frequency attached by ClinVar (database versions not stated): gnomAD exomes below 0.00001.
gnomAD v4.1: 3 of 1,612,714 alleles (0.00019%); highest among the groups gnomAD compares: Non-Finnish European, 0.00025%; no homozygotes.

Submission:

Labcorp Genetics (formerly Invitae), Labcorp
Classification: Uncertain significance. Last evaluated: 2021-12-15. Review status: criteria provided, single submitter. Criteria: Invitae Variant Classification Sherloc (09022015). Collection method: clinical testing. Allele origin: germline.
Comment: In summary, the available evidence is currently insufficient to determine the role of this variant in disease. Therefore, it has been classified as a Variant of Uncertain Significance. Algorithms developed to predict the effect of sequence changes on RNA splicing suggest that this variant may create or strengthen a splice site. Algorithms developed to predict the effect of missense changes on protein structure and function output the following: SIFT: "Tolerated"; PolyPhen-2: "Benign"; Align-GVGD: "Class C0". The arginine amino acid residue is found in multiple mammalian species, which suggests that this missense change does not adversely affect protein function. This variant has not been reported in the literature in individuals affected with CFH-related conditions. This variant is present in population databases (no rsID available, gnomAD 0.0009%). This sequence change replaces lysine, which is basic and polar, with arginine, which is basic and polar, at codon 405 of the CFH protein (p.Lys405Arg).